The following is an entry in ClinVar:

NM_002472.3(MYH8):c.2533A>G (p.Ser845Gly)

Genes: MYH8 (myosin heavy chain 8; minus strand), MYHAS (myosin heavy chain gene cluster antisense RNA; plus strand). Cytogenetic location: 17p13.1.
Variant type: single nucleotide variant.
Coding change: c.2533A>G on transcript NM_002472.3 (MANE Select); coding-DNA position 2533, A replaced by G.
Protein change: p.Ser845Gly; replaces serine 845 with glycine.
Molecular consequence: missense variant.
Genome position (GRCh38, 1-based): chr17:10,404,485, T>C on the plus strand (A>G on the coding strand, the complement: MYH8 is on the minus strand). VCF-style: chr17-10404485-T-C. GRCh37 (hg19) VCF-style: chr17-10307802-T-C.
Other names: short protein forms S845G.
Identifiers: ClinVar variation 4280816 (VCV004280816.7).
Genomic context (GRCh38, chr17:10,404,485, plus strand): 5'-CATCTTTGGTTTTCTGGAATTCTTCCTTCATGGTGGCCATCTCTTTCTCGGTCTCTGCAC[T>C]CTTGAGGAGGGGCTTAATCTTGAAAAAGAGTTTCATCCAGGGCCAGTGCTTGACGTTCAT-3'
Protein context (NP_002463.2, residues 835-855): LFFKIKPLLK[Ser845Gly]AETEKEMATM

ClinVar aggregate classification (germline): Uncertain significance (1 of 4 stars; one submission).

gnomAD v4.1: 4 of 1,614,116 alleles (0.00025%); highest among the groups gnomAD compares: Non-Finnish European, 0.00034%; no homozygotes.

Submission:

CeGaT Center for Human Genetics Tuebingen
Classification: Uncertain significance. Last evaluated: 2025-09-01. Review status: criteria provided, single submitter. Criteria: CeGaT Center For Human Genetics Tuebingen Variant Classification Criteria Version 2. Collection method: clinical testing. Allele origin: germline. Affected: yes. Observed: 1 variant allele.
Comment: MYH8: PM2:Supporting, PS2:Supporting